The following is an entry in ClinVar:

NM_001304438.2(TMEM132E):c.1342A>G (p.Thr448Ala)

Gene: TMEM132E (transmembrane protein 132E; plus strand). Cytogenetic location: 17q12.
Variant type: single nucleotide variant.
Coding change: c.1342A>G on transcript NM_001304438.2 (MANE Select); coding-DNA position 1342, A replaced by G.
Protein change: p.Thr448Ala; replaces threonine 448 with alanine.
Molecular consequence: missense variant.
Genome position (GRCh38, 1-based): chr17:34,630,011, A>G. VCF-style: chr17-34630011-A-G. GRCh37 (hg19) VCF-style: chr17-32957030-A-G.
Other names: short protein forms T448A.
Identifiers: ClinVar variation 1464796 (VCV001464796.6), dbSNP rs1356963711, ClinGen allele CA399072196.

ClinVar aggregate classification (germline): Uncertain significance (1 of 4 stars; one submission).

Allele frequency attached by ClinVar (database versions not stated): gnomAD exomes below 0.00001.
gnomAD v4.1: 2 of 1,607,608 alleles (0.00012%); highest among the groups gnomAD compares: South Asian, 0.0011%; no homozygotes.

Submission:

Labcorp Genetics (formerly Invitae), Labcorp
Classification: Uncertain significance. Last evaluated: 2022-11-22. Review status: criteria provided, single submitter. Criteria: Invitae Variant Classification Sherloc (09022015). Collection method: clinical testing. Allele origin: germline.
Comment: In summary, the available evidence is currently insufficient to determine the role of this variant in disease. Therefore, it has been classified as a Variant of Uncertain Significance. This sequence change replaces threonine, which is neutral and polar, with alanine, which is neutral and non-polar, at codon 448 of the TMEM132E protein (p.Thr448Ala). This variant is present in population databases (no rsID available, gnomAD 0.0009%). This variant has not been reported in the literature in individuals affected with TMEM132E-related conditions. ClinVar contains an entry for this variant (Variation ID: 1464796). Algorithms developed to predict the effect of missense changes on protein structure and function are either unavailable or do not agree on the potential impact of this missense change (SIFT: "Tolerated"; PolyPhen-2: "Not Available"; Align-GVGD: "Class C0").